The following is an entry in ClinVar:

NM_004727.3(SLC24A1):c.1516G>C (p.Ala506Pro)

Gene: SLC24A1 (solute carrier family 24 member 1; plus strand). Cytogenetic location: 15q22.31.
Variant type: single nucleotide variant.
Coding change: c.1516G>C on transcript NM_004727.3 (MANE Select); coding-DNA position 1516, G replaced by C.
Protein change: p.Ala506Pro; replaces alanine 506 with proline.
Molecular consequence: missense variant.
Genome position (GRCh38, 1-based): chr15:65,625,596, G>C. VCF-style: chr15-65625596-G-C. GRCh37 (hg19) VCF-style: chr15-65917934-G-C.
Other names: c.1516G>C, p.Ala506Pro (NM_001301031.1, NM_001301032.1, NM_001301033.2 and 1 more transcripts); short protein forms A506P.
Identifiers: ClinVar variation 2058538 (VCV002058538.4), dbSNP rs2548359533, ClinGen allele CA392917730.

ClinVar aggregate classification (germline): Uncertain significance (1 of 4 stars; one submission).

Submission:

Labcorp Genetics (formerly Invitae), Labcorp
Classification: Uncertain significance. Last evaluated: 2021-12-24. Review status: criteria provided, single submitter. Criteria: Invitae Variant Classification Sherloc (09022015). Collection method: clinical testing. Allele origin: germline.
Comment: This sequence change replaces alanine, which is neutral and non-polar, with proline, which is neutral and non-polar, at codon 506 of the SLC24A1 protein (p.Ala506Pro). This variant is not present in population databases (gnomAD no frequency). This variant has not been reported in the literature in individuals affected with SLC24A1-related conditions. Algorithms developed to predict the effect of missense changes on protein structure and function are either unavailable or do not agree on the potential impact of this missense change (SIFT: "Deleterious"; PolyPhen-2: "Probably Damaging"; Align-GVGD: "Class C0"). In summary, the available evidence is currently insufficient to determine the role of this variant in disease. Therefore, it has been classified as a Variant of Uncertain Significance.